The following is an entry in ClinVar:

ClinVar aggregate classification (germline): Likely benign. Review status: criteria provided, single submitter (1 of 4 stars). 2 submissions from 2 submitters: Likely benign (1). 1 of the submissions does not count toward it. Last evaluated 2022-01-24.

Conditions:
F7-related disorder. Also called: F7-related condition.

Allele frequency attached by ClinVar (database versions not stated): 1000 Genomes Project 30x 0.00047; 1000 Genomes Project 0.00060.
gnomAD v4.1: 21 of 1,611,650 alleles (0.0013%); highest among the groups gnomAD compares: East Asian, 0.04%; no homozygotes.

Submissions (2):

Blueprint Genetics
Classification: Likely benign. Last evaluated: 2022-01-24. Review status: criteria provided, single submitter. Criteria: ACMG Guidelines, 2015. Collection method: clinical testing. Allele origin: germline.

PreventionGenetics, part of Exact Sciences
Classification: Likely benign for F7-related condition. Last evaluated: 2019-06-25. Review status: no assertion criteria provided. Collection method: clinical testing. Allele origin: germline. Not counted in ClinVar's aggregate classification.
Comment: This variant is classified as likely benign based on ACMG/AMP sequence variant interpretation guidelines (Richards et al. 2015 PMID: 25741868, with internal and published modifications).

NM_019616.4(F7):c.846G>C (p.Ala282=)

Gene: F7 (coagulation factor VII; plus strand). Cytogenetic location: 13q34.
Variant type: single nucleotide variant.
Coding change: c.846G>C on transcript NM_019616.4 (MANE Select); coding-DNA position 846, G replaced by C.
Protein change: p.Ala282=; no amino-acid change (alanine 282 retained).
Molecular consequence: synonymous variant. On other transcripts: non-coding transcript variant (1).
Genome position (GRCh38, 1-based): chr13:113,118,519, G>C. VCF-style: chr13-113118519-G-C. GRCh37 (hg19) VCF-style: chr13-113772833-G-C.
Other names: c.912G>C, p.Ala304= (NM_000131.5); c.660G>C, p.Ala220= (NM_001267554.2).
Identifiers: ClinVar variation 3043321 (VCV003043321.3), dbSNP rs200316840, ClinGen allele CA7060166.
Genomic context (GRCh38, chr13:113,118,519, plus strand): 5'-GGTGGCGCAGGTCATCATCCCCAGCACGTACGTCCCGGGCACCACCAACCACGACATCGC[G>C]CTGCTCCGCCTGCACCAGCCCGTGGTCCTCACTGACCATGTGGTGCCCCTCTGCCTGCCC-3'
Protein context (NP_062562.1, residues 272-292): YVPGTTNHDI[Ala282=]LLRLHQPVVL